The following is an entry in ClinVar:

ClinVar aggregate classification (germline): Likely benign (1 of 4 stars; one submission).

Conditions:
Hypertrophic cardiomyopathy. Also called: HYPERTROPHIC MYOCARDIOPATHY. Identifiers: Orphanet 217569, MedGen C0007194, MeSH D002312, MONDO:0005045, HP:0001639.

Submission:

All of Us Research Program, National Institutes of Health
Classification: Likely benign for Hypertrophic cardiomyopathy. Last evaluated: 2024-05-30. Review status: criteria provided, single submitter. Criteria: ACMG Guidelines, 2015. Collection method: clinical testing. Allele origin: germline. Inheritance: Autosomal dominant inheritance. Observed: 1 variant allele, 1 heterozygote.
Comment: This study involves interpretation of variants in research participants for the purpose of population health screening. Participant phenotype was not available at the time of variant classification. Additional details can be found in publication PMID: 35346344, PMCID: PMC8962531

NM_000256.3(MYBPC3):c.1227-12G>T

Gene: MYBPC3 (myosin binding protein C3; minus strand). Cytogenetic location: 11p11.2.
Variant type: single nucleotide variant.
Coding change: c.1227-12G>T on transcript NM_000256.3 (MANE Select); 12 bases into the intron before coding-DNA position 1227, G replaced by T.
Molecular consequence: intron variant.
Genome position (GRCh38, 1-based): chr11:47,343,157, C>A on the plus strand (G>T on the coding strand, the complement: MYBPC3 is on the minus strand). VCF-style: chr11-47343157-C-A. GRCh37 (hg19) VCF-style: chr11-47364708-C-A.
Identifiers: ClinVar variation 3387133 (VCV003387133.1).